The following is an entry in ClinVar:

ClinVar aggregate classification (germline): Benign. Review status: criteria provided, multiple submitters, no conflicts (2 of 4 stars). 6 submissions from 5 submitters: Benign (6). Last evaluated 2026-02-03.

Conditions:
Retinal dystrophy. Also called: Inherited retinal dystrophy. Identifiers: Orphanet 71862, MedGen C0854723, MeSH D058499, MONDO:0019118, HP:0000556.
Leber congenital amaurosis 11 (LCA11). Identifiers: Orphanet 65, MedGen C1840284, MONDO:0013454, OMIM 613837.
Retinitis pigmentosa (RP). Identifiers: Orphanet 791, MedGen C0035334, MeSH D012174, MONDO:0019200, OMIM 268000. Inheritance: Autosomal dominant, autosomal recessive and X linked inheritance.

Allele frequency attached by ClinVar (database versions not stated): ESP Exome Variant Server 0.13886; gnomAD 0.13918 and 0.14221; ExAC 0.16094; 1000 Genomes Project 30x 0.12680; TOPMed 0.12877; 1000 Genomes Project 0.13019.
gnomAD v4.1: 270,603 of 1,613,462 alleles (17%); highest among the groups gnomAD compares: South Asian, 23%; 23,740 homozygotes.

Submissions (6):

Labcorp Genetics (formerly Invitae), Labcorp
Classification: Benign. Last evaluated: 2026-02-03. Review status: criteria provided, single submitter. Criteria: Invitae Variant Classification Sherloc (09022015). Collection method: clinical testing. Allele origin: germline.

Dept Of Ophthalmology, Nagoya University
Classification: Benign for Retinal dystrophy. Last evaluated: 2023-10-01. Review status: criteria provided, single submitter. Criteria: Submitter's publication. Collection method: research. Allele origin: germline. Affected: yes.

Illumina Laboratory Services, Illumina
Classification: Benign for Leber congenital amaurosis 11. Last evaluated: 2018-01-13. Review status: criteria provided, single submitter. Criteria: ICSL Variant Classification Criteria 13 December 2019. Collection method: clinical testing. Allele origin: germline.
Comment: This variant was observed in the ICSL laboratory as part of a predisposition screen in an ostensibly healthy population. It had not been previously curated by ICSL or reported in the Human Gene Mutation Database (HGMD: prior to June 1st, 2018), and was therefore a candidate for classification through an automated scoring system. Utilizing variant allele frequency, disease prevalence and penetrance estimates, and inheritance mode, an automated score was calculated to assess if this variant is too frequent to cause the disease. Based on the score and internal cut-off values, a variant classified as benign is not then subjected to further curation. The score for this variant resulted in a classification of benign for this disease.

Illumina Laboratory Services, Illumina
Classification: Benign for Retinitis pigmentosa. Last evaluated: 2018-01-13. Review status: criteria provided, single submitter. Criteria: ICSL Variant Classification Criteria 13 December 2019. Collection method: clinical testing. Allele origin: germline.
Comment: the same text as in the submission from Illumina Laboratory Services, Illumina above.

GeneDx
Classification: Benign. Last evaluated: 2015-03-03. Review status: criteria provided, single submitter. Criteria: GeneDx Variant Classification Process June 2021. Collection method: clinical testing. Allele origin: germline. Affected: yes.

Breakthrough Genomics
Classification: Benign. Review status: criteria provided, single submitter. Criteria: ACMG Guidelines, 2015. Collection method: not provided. Allele origin: germline. Inheritance: Autosomal dominant inheritance. Affected: yes.

NM_000883.4(IMPDH1):c.987G>C (p.Leu329=)

Gene: IMPDH1 (inosine monophosphate dehydrogenase 1; minus strand). Cytogenetic location: 7q32.1.
Variant type: single nucleotide variant.
Coding change: c.987G>C on transcript NM_000883.4 (MANE Select); coding-DNA position 987, G replaced by C.
Protein change: p.Leu329=; no amino-acid change (leucine 329 retained).
Molecular consequence: synonymous variant.
Genome position (GRCh38, 1-based): chr7:128,398,501, C>G on the plus strand (G>C on the coding strand, the complement: IMPDH1 is on the minus strand). VCF-style: chr7-128398501-C-G. GRCh37 (hg19) VCF-style: chr7-128038555-C-G.
Other names: c.957G>C, p.Leu319= (NM_001102605.2); c.732G>C, p.Leu244= (NM_001142573.2); c.717G>C, p.Leu239= (NM_001142574.2); c.657G>C, p.Leu219= (NM_001142575.2); c.888G>C, p.Leu296= (NM_001142576.2); c.780G>C, p.Leu260= (NM_001304521.2); c.879G>C, p.Leu293= (NM_183243.3).
Identifiers: ClinVar variation 358876 (VCV000358876.18), dbSNP rs2288550, ClinGen allele CA4470981.